The following is an entry in ClinVar:

ClinVar aggregate classification (germline): Pathogenic. Review status: criteria provided, multiple submitters, no conflicts (2 of 4 stars). 2 submissions from 2 submitters: Pathogenic (2). Last evaluated 2024-05-18.

Conditions:
Familial X-linked hypophosphatemic vitamin D refractory rickets (XLHRD). Also called: X-Linked Hypophosphatemia; Hypophosphatemic Rickets, X-Linked Dominant; HYPOPHOSPHATEMIC VITAMIN D-RESISTANT RICKETS; Hypophosphatemia, vitamin D-resistant rickets; Vitamin D-resistant rickets, X-linked. Identifiers: Orphanet 89936, MedGen C0733682, MONDO:0010619, OMIM 307800.

Submissions (2):

Labcorp Genetics (formerly Invitae), Labcorp
Classification: Pathogenic. Last evaluated: 2024-05-18. Review status: criteria provided, single submitter. Criteria: Invitae Variant Classification Sherloc (09022015). Collection method: clinical testing. Allele origin: germline.
Comment: This sequence change replaces cysteine, which is neutral and slightly polar, with serine, which is neutral and polar, at codon 733 of the PHEX protein (p.Cys733Ser). This variant is not present in population databases (gnomAD no frequency). This missense change has been observed in individuals with X-linked hypophosphatemia (XLH) (PMID: 10439971; Invitae). ClinVar contains an entry for this variant (Variation ID: 438487). Advanced modeling of protein sequence and biophysical properties (such as structural, functional, and spatial information, amino acid conservation, physicochemical variation, residue mobility, and thermodynamic stability) performed at Invitae indicates that this missense variant is expected to disrupt PHEX protein function with a positive predictive value of 95%. This variant disrupts the p.Cys733 amino acid residue in PHEX. Other variant(s) that disrupt this residue have been determined to be pathogenic (PMID: 22527485, 25839938). This suggests that this residue is clinically significant, and that variants that disrupt this residue are likely to be disease-causing. For these reasons, this variant has been classified as Pathogenic.

Institute of Human Genetics Munich, TUM University Hospital
Classification: Pathogenic for Familial X-linked hypophosphatemic vitamin D refractory rickets. Last evaluated: 2017-06-12. Review status: criteria provided, single submitter. Criteria: Classification criteria August 2017. Collection method: clinical testing. Allele origin: germline. Inheritance: X-linked inheritance. Affected: yes. Observed: 1 heterozygote.

Literature cited by the submitters: PubMed 10439971 (cited by Labcorp Genetics (formerly Invitae), Labcorp and Institute of Human Genetics Munich, TUM University Hospital); PubMed 22527485 (cited by Labcorp Genetics (formerly Invitae), Labcorp); PubMed 25839938 (cited by Labcorp Genetics (formerly Invitae), Labcorp).

NM_000444.6(PHEX):c.2198G>C (p.Cys733Ser)

Genes: PHEX (phosphate regulating endopeptidase X-linked; plus strand), PTCHD1-AS (PTCHD1 and PHEX antisense RNA; minus strand). Cytogenetic location: Xp22.11.
Variant type: single nucleotide variant.
Coding change: c.2198G>C on transcript NM_000444.6 (MANE Select); coding-DNA position 2198, G replaced by C.
Protein change: p.Cys733Ser; replaces cysteine 733 with serine.
Molecular consequence: missense variant. On other transcripts: 3 prime UTR variant (1).
Genome position (GRCh38, 1-based): chrX:22,247,901, G>C. VCF-style: chrX-22247901-G-C. GRCh37 (hg19) VCF-style: chrX-22266018-G-C.
Other names: c.*33G>C (NM_001282754.2); short protein forms C733S.
Identifiers: ClinVar variation 438487 (VCV000438487.11), dbSNP rs1057517981, ClinGen allele CA412575461.